The following is an entry in ClinVar:

ClinVar aggregate classification (germline): Likely benign. Review status: criteria provided, multiple submitters, no conflicts (2 of 4 stars). 2 submissions from 2 submitters: Likely benign (2). Last evaluated 2025-11-16.

Conditions:
Charcot-Marie-Tooth disease dominant intermediate B (CMTDIB). Also called: Charcot-Marie-Tooth disease dominant intermediate 1; CMT DI1; Charcot-Marie-Tooth disease dominant intermediate I; CHARCOT-MARIE-TOOTH NEUROPATHY, DOMINANT INTERMEDIATE B. Identifiers: Orphanet 100044, Orphanet 228179, MedGen C1847902, MONDO:0011674, OMIM 606482.

Allele frequency attached by ClinVar (database versions not stated): gnomAD exomes 0.00002 and below 0.00001; gnomAD 0.00003 and 0.00004; TOPMed 0.00005.
gnomAD v4.1: 45 of 1,613,590 alleles (0.0028%); highest among the groups gnomAD compares: African/African-American, 0.035%; 2 homozygotes.

Submissions (2):

Labcorp Genetics (formerly Invitae), Labcorp
Classification: Likely benign for Charcot-Marie-Tooth disease dominant intermediate B. Last evaluated: 2025-11-16. Review status: criteria provided, single submitter. Criteria: Invitae Variant Classification Sherloc (09022015). Collection method: clinical testing. Allele origin: germline.

GeneDx
Classification: Likely benign. Last evaluated: 2017-09-20. Review status: criteria provided, single submitter. Criteria: GeneDx Variant Classification (06012015). Collection method: clinical testing. Allele origin: germline. Affected: yes.
Comment: This variant is considered likely benign or benign based on one or more of the following criteria: it is a conservative change, it occurs at a poorly conserved position in the protein, it is predicted to be benign by multiple in silico algorithms, and/or has population frequency not consistent with disease.

NM_001005361.3(DNM2):c.2292-15T>A

Gene: DNM2 (dynamin 2; plus strand). Cytogenetic location: 19p13.2.
Variant type: single nucleotide variant.
Coding change: c.2292-15T>A on transcript NM_001005361.3 (MANE Select); 15 bases into the intron before coding-DNA position 2292, T replaced by A.
Molecular consequence: intron variant.
Genome position (GRCh38, 1-based): chr19:10,830,112, T>A. VCF-style: chr19-10830112-T-A. GRCh37 (hg19) VCF-style: chr19-10940788-T-A.
Other names: c.2292-15T>A (NM_001005360.3, NM_001190716.2); c.2280-15T>A (NM_004945.4, NM_001005362.3).
Identifiers: ClinVar variation 517083 (VCV000517083.5), dbSNP rs534518685, ClinGen allele CA305271931.